The following is an entry in ClinVar:

NM_018180.3(DHX32):c.677A>G (p.Asn226Ser)

Gene: DHX32 (DEAH-box helicase 32 (putative); minus strand). Cytogenetic location: 10q26.2.
Variant type: single nucleotide variant.
Coding change: c.677A>G on transcript NM_018180.3 (MANE Select); coding-DNA position 677, A replaced by G.
Protein change: p.Asn226Ser; replaces asparagine 226 with serine.
Molecular consequence: missense variant.
Genome position (GRCh38, 1-based): chr10:125,859,775, T>C on the plus strand (A>G on the coding strand, the complement: DHX32 is on the minus strand). VCF-style: chr10-125859775-T-C. GRCh37 (hg19) VCF-style: chr10-127548344-T-C.
Other names: c.677A>G (NM_018180.2); short protein forms N226S.
Identifiers: ClinVar variation 1441300 (VCV001441300.7), dbSNP rs375145354, ClinGen allele CA5739404.

ClinVar aggregate classification (germline): Conflicting classifications of pathogenicity. Review status: criteria provided, conflicting classifications (1 of 4 stars). 2 submissions from 2 submitters: Uncertain significance (1); Likely benign (1). Last evaluated 2025-11-21.

Allele frequency attached by ClinVar (database versions not stated): gnomAD exomes 0.00006; ExAC 0.00007; ESP Exome Variant Server 0.00008; 1000 Genomes Project 30x 0.00016; 1000 Genomes Project 0.00020; gnomAD 0.00022 and 0.00023; TOPMed 0.00022.
gnomAD v4.1: 78 of 1,614,116 alleles (0.0048%); highest among the groups gnomAD compares: African/African-American, 0.073%; no homozygotes.

Submissions (2):

Labcorp Genetics (formerly Invitae), Labcorp
Classification: Uncertain significance. Last evaluated: 2025-11-21. Review status: criteria provided, single submitter. Criteria: Invitae Variant Classification Sherloc (09022015). Collection method: clinical testing. Allele origin: germline.
Comment: This sequence change replaces asparagine, which is neutral and polar, with serine, which is neutral and polar, at codon 226 of the DHX32 protein (p.Asn226Ser). This variant is present in population databases (rs375145354, gnomAD 0.06%), and has an allele count higher than expected for a pathogenic variant. This variant has not been reported in the literature in individuals affected with DHX32-related conditions. ClinVar contains an entry for this variant (Variation ID: 1441300). An algorithm developed to predict the effect of missense changes on protein structure and function outputs the following: PolyPhen-2: "Benign". The serine amino acid residue is found in multiple mammalian species, which suggests that this missense change does not adversely affect protein function. In summary, the available evidence is currently insufficient to determine the role of this variant in disease. Therefore, it has been classified as a Variant of Uncertain Significance.

Ambry Genetics
Classification: Likely benign. Last evaluated: 2022-05-27. Review status: criteria provided, single submitter. Criteria: Ambry Variant Classification Scheme 2023. Collection method: clinical testing. Allele origin: germline.